The following is an entry in ClinVar:

ClinVar aggregate classification (germline): Conflicting classifications of pathogenicity. Review status: criteria provided, conflicting classifications (1 of 4 stars). 2 submissions from 2 submitters: Uncertain significance (1); Likely benign (1). Last evaluated 2026-05-12.

Conditions:
Cardiovascular phenotype. Identifiers: MedGen CN230736.
Familial hypobetalipoproteinemia 1. Also called: Hypobetalipoproteinemia, normotriglyceridemic; Acanthocytosis with hypobetalipoproteinemia; APOB-Related Familial Hypobetalipoproteinemia. Identifiers: MedGen C4551990, MONDO:0014252, OMIM 615558.
Hypercholesterolemia, autosomal dominant, type B (FHCL2). Also called: APOB-Related Familial Hypercholesterolemia, Autosomal Dominant; Familial Hypercholesterolemia Type B; APOLIPOPROTEIN B-100, FAMILIAL DEFECTIVE; APOLIPOPROTEIN B-100, FAMILIAL LIGAND-DEFECTIVE; Familial hypercholesterolemia 2; HYPERCHOLESTEROLEMIA, FAMILIAL, DUE TO LIGAND-DEFECTIVE APOLIPOPROTEIN B. Identifiers: MedGen C1704417, MONDO:0007751, OMIM 144010.

gnomAD v4.1: 9 of 1,614,124 alleles (0.00056%); highest among the groups gnomAD compares: Non-Finnish European, 0.00068%; no homozygotes.

Submissions (2):

Ambry Genetics
Classification: Likely benign for Cardiovascular phenotype. Last evaluated: 2026-05-12. Review status: criteria provided, single submitter. Criteria: Ambry Variant Classification Scheme 2023. Collection method: clinical testing. Allele origin: germline.

Labcorp Genetics (formerly Invitae), Labcorp
Classification: Uncertain significance for Familial hypobetalipoproteinemia 1; Hypercholesterolemia, autosomal dominant, type B. Last evaluated: 2024-09-19. Review status: criteria provided, single submitter. Criteria: Invitae Variant Classification Sherloc (09022015). Collection method: clinical testing. Allele origin: germline.
Comment: This sequence change replaces histidine, which is basic and polar, with asparagine, which is neutral and polar, at codon 1322 of the APOB protein (p.His1322Asn). This variant is not present in population databases (gnomAD no frequency). This variant has not been reported in the literature in individuals affected with APOB-related conditions. Invitae Evidence Modeling of protein sequence and biophysical properties (such as structural, functional, and spatial information, amino acid conservation, physicochemical variation, residue mobility, and thermodynamic stability) indicates that this missense variant is not expected to disrupt APOB protein function with a negative predictive value of 95%. In summary, the available evidence is currently insufficient to determine the role of this variant in disease. Therefore, it has been classified as a Variant of Uncertain Significance.

NM_000384.3(APOB):c.3964C>A (p.His1322Asn)

Gene: APOB (apolipoprotein B; minus strand). Cytogenetic location: 2p24.1.
Variant type: single nucleotide variant.
Coding change: c.3964C>A on transcript NM_000384.3 (MANE Select); coding-DNA position 3964, C replaced by A.
Protein change: p.His1322Asn; replaces histidine 1322 with asparagine.
Molecular consequence: missense variant.
Genome position (GRCh38, 1-based): chr2:21,013,412, G>T on the plus strand (C>A on the coding strand, the complement: APOB is on the minus strand). VCF-style: chr2-21013412-G-T. GRCh37 (hg19) VCF-style: chr2-21236284-G-T.
Other names: c.3964C>A (NM_000384.2); short protein forms H1322N.
Identifiers: ClinVar variation 3752497 (VCV003752497.3).